The following is an entry in ClinVar:

ClinVar aggregate classification (germline): Uncertain significance (1 of 4 stars; one submission).

Conditions:
Autosomal recessive limb-girdle muscular dystrophy type 2A (LGMDR1). Also called: Muscular dystrophy, limb-girdle, type 2A, Amish; Limb-girdle muscular dystrophy, type 2A; Calpainopathy; LEYDEN-MOEBIUS MUSCULAR DYSTROPHY; MUSCULAR DYSTROPHY, PELVOFEMORAL. Identifiers: Orphanet 267, MedGen C1869123, MONDO:0009675, OMIM 253600. Disease mechanism: loss of function.

gnomAD v4.1: 1 of 1,613,788 alleles (0.000062%); highest among the groups gnomAD compares: Non-Finnish European, 0.000085%; no homozygotes.

Submission:

Myriad Genetics, Inc.
Classification: Uncertain significance for Autosomal recessive limb-girdle muscular dystrophy type 2A. Last evaluated: 2025-12-01. Review status: criteria provided, single submitter. Criteria: Myriad Autosomal Dominant, Autosomal Recessive and X-Linked Classification Criteria (2023). Collection method: clinical testing. Allele origin: unknown.
Comment: NM_000070.2(CAPN3):c.1501A>G(T501A) is a missense variant classified as a variant of uncertain significance in the context of calpainopathy. T501A has been observed in cases with relevant disease (PMID: 34628793, 39678382). Relevant functional assessments of this variant are not available in the literature. T501A has not been observed in referenced population frequency databases. In summary, there is insufficient evidence to classify NM_000070.2(CAPN3):c.1501A>G(T501A) as pathogenic or benign. Please note: this variant was assessed in the context of healthy population screening.

Literature cited by the submitters: PubMed 34628793; PubMed 39678382.

NM_000070.3(CAPN3):c.1501A>G (p.Thr501Ala)

Gene: CAPN3 (calpain 3; plus strand). Cytogenetic location: 15q15.1.
Variant type: single nucleotide variant.
Coding change: c.1501A>G on transcript NM_000070.3 (MANE Select); coding-DNA position 1501, A replaced by G.
Protein change: p.Thr501Ala; replaces threonine 501 with alanine.
Molecular consequence: missense variant.
Genome position (GRCh38, 1-based): chr15:42,401,787, A>G. VCF-style: chr15-42401787-A-G. GRCh37 (hg19) VCF-style: chr15-42693985-A-G.
Other names: c.1501A>G, p.Thr501Ala (NM_024344.2); c.1357A>G, p.Thr453Ala (NM_173087.2); short protein forms T453A, T501A.
Identifiers: ClinVar variation 5003843 (VCV005003843.1).